The following is an entry in ClinVar:

ClinVar aggregate classification (germline): Pathogenic. Review status: criteria provided, multiple submitters, no conflicts (2 of 4 stars). 4 submissions from 4 submitters: Pathogenic (2). 2 of the submissions do not count toward it. Last evaluated 2026-01-14.

Conditions:
HOXA1-related syndrome. Also called: HOXA1-related condition; HOXA1-related disorder; Human HOXA1 syndromes; HOXA1-Related Disorders. Identifiers: MedGen CN381531, MONDO:0011099.
Bosley-Salih-Alorainy syndrome (BSAS). Also called: Bosley-Salih-Alorainy Syndrome (BSAS). Identifiers: Orphanet 69737, MedGen C1832216, MONDO:0019075.
Athabaskan Brain Stem Dysgenesis Syndrome (ABDS) (ABDS). Also called: ATHABASKAN BRAINSTEM DYSGENESIS SYNDROME; NAVAJO BRAINSTEM SYNDROME. Identifiers: Orphanet 69737, Orphanet 69739, MedGen C1832215, MONDO:7770750, OMIM 601536.

Submissions (4):

PreventionGenetics, part of Exact Sciences
Classification: Pathogenic for HOXA1-related condition. Last evaluated: 2026-01-14. Review status: criteria provided, single submitter. Criteria: ACMG Guidelines, 2015. Collection method: clinical testing. Allele origin: germline.
Comment: The HOXA1 c.175dupG variant is predicted to result in a frameshift and premature protein termination (p.Val59Glyfs*119). This variant has been reported in the homozygous state in individuals with Bosley‑Salih‑Alorainy syndrome and has been described as a founder pathogenic variant in individuals of Saudi Arabian ancestry (alternatively referred to as 175_176insG; see, for example: Tischfield et al. 2005. PubMed ID: 16155570; Jacob et al. 2024. PubMed ID: 39541495). This variant is reported in 0.00091% of alleles in individuals of European (Non-Finnish) descent in gnomAD. Frameshift variants in HOXA1 are expected to be pathogenic. This variant is interpreted as pathogenic.

GeneDx
Classification: Pathogenic. Last evaluated: 2023-05-10. Review status: criteria provided, single submitter. Criteria: GeneDx Variant Classification Process June 2021. Collection method: clinical testing. Allele origin: germline. Affected: yes.
Comment: Frameshift variant predicted to result in protein truncation or nonsense mediated decay in a gene for which loss-of-function is a known mechanism of disease; Not observed at significant frequency in large population cohorts (gnomAD); This variant is associated with the following publications: (PMID: 16155570, 18412118)

Biochemical Molecular Genetic Laboratory, King Abdulaziz Medical City
Classification: Pathogenic for Athabaskan Brain Stem Dysgenesis Syndrome (ABDS). Last evaluated: 2019-01-29. Review status: no assertion criteria provided. Collection method: clinical testing. Allele origin: germline. Affected: yes. Not counted in ClinVar's aggregate classification.

OMIM
Classification: Pathogenic for BOSLEY-SALIH-ALORAINY SYNDROME. Last evaluated: 2008-05-15. Review status: no assertion criteria provided. Collection method: literature only. Allele origin: germline. Not counted in ClinVar's aggregate classification.

Literature cited by the submitters: PubMed 16155570 (cited by OMIM); PubMed 18412118 (cited by OMIM).

NM_005522.5(HOXA1):c.175dup (p.Val59fs)

Gene: HOXA1 (homeobox A1; minus strand). Cytogenetic location: 7p15.2.
Variant type: Duplication.
Coding change: c.175dup on transcript NM_005522.5 (MANE Select); coding-DNA position 175, one base duplicated (G; older notation c.175dupG).
Protein change: p.Val59fs; shifts the reading frame from valine 59.
Molecular consequence: frameshift variant.
Genome position (GRCh38, 1-based): chr7:27,095,738, C duplicated on the plus strand (G on the coding strand, the reverse complement: HOXA1 is on the minus strand); the first of 6 consecutive C bases (chr7:27,095,738-27,095,743); duplicating any one gives the same sequence. VCF-style (leftmost placement, unchanged base first): chr7-27095737-A-AC. GRCh37 (hg19) VCF-style: chr7-27135356-A-AC.
Other names: c.175dupG (NM_005522.4); c.175dup, p.Val59fs (NM_153620.3); short protein forms V59fs.
Identifiers: ClinVar variation 14898 (VCV000014898.7), dbSNP rs769152039, ClinGen allele CA4196017.
Genomic context (GRCh38, chr7:27,095,737, plus strand): 5'-GTAGCCGGCTGGGGGTGGCGATGGTGGTGGTGGTGGTGGTGGTGGGGCGAACCGATCTGC[A>AC]CCCCCCTGCCCACTAGGAAGCGGTCGTCGCCGCCGCAACTGTTGGCGCTGACCGCGCACG-3'